The following is an entry in ClinVar:

NM_004415.4(DSP):c.7486C>G (p.Leu2496Val)

Gene: DSP (desmoplakin; plus strand). Cytogenetic location: 6p24.3.
Variant type: single nucleotide variant.
Coding change: c.7486C>G on transcript NM_004415.4 (MANE Select); coding-DNA position 7486, C replaced by G.
Protein change: p.Leu2496Val; replaces leucine 2496 with valine.
Molecular consequence: missense variant.
Genome position (GRCh38, 1-based): chr6:7,584,748, C>G. VCF-style: chr6-7584748-C-G. GRCh37 (hg19) VCF-style: chr6-7584981-C-G.
Other names: c.5689C>G, p.Leu1897Val (NM_001008844.3); c.6157C>G, p.Leu2053Val (NM_001319034.2); short protein forms L2496V, L2053V, L1897V.
Identifiers: ClinVar variation 4794025 (VCV004794025.1).
Genomic context (GRCh38, chr6:7,584,748, plus strand): 5'-GAAATGTCTGTTCAGGAGGCCTACAAGAAGGGCCTAATTGATTATGAAACCTTCAAAGAA[C>G]TGTGTGAGCAGGAATGTGAATGGGAAGAAATAACCATCACGGGATCAGATGGCTCCACCA-3'
Protein context (NP_004406.2, residues 2486-2506): GLIDYETFKE[Leu2496Val]CEQECEWEEI

ClinVar aggregate classification (germline): Uncertain significance (1 of 4 stars; one submission).

Conditions:
Arrhythmogenic right ventricular dysplasia 8 (ARVD8). Also called: Arrhythmogenic Right Ventricular Dysplasia/Cardiomyopathy 8; ARRHYTHMOGENIC RIGHT VENTRICULAR DYSPLASIA, FAMILIAL, 8; ARRHYTHMOGENIC RIGHT VENTRICULAR CARDIOMYOPATHY 8. Identifiers: MedGen C1843896, MONDO:0011831, OMIM 607450.
Arrhythmogenic cardiomyopathy with wooly hair and keratoderma. Also called: PALMOPLANTAR KERATODERMA WITH LEFT VENTRICULAR CARDIOMYOPATHY AND WOOLLY HAIR; Dilated cardiomyopathy with woolly hair and keratoderma; Arrhythmogenic cardiomyopathy with woolly hair and keratoderma; Carvajal syndrome. Identifiers: Orphanet 65282, MedGen C1854063, MONDO:0011581, OMIM 605676.

Submission:

Labcorp Genetics (formerly Invitae), Labcorp
Classification: Uncertain significance for Arrhythmogenic cardiomyopathy with wooly hair and keratoderma; Arrhythmogenic right ventricular dysplasia 8. Last evaluated: 2025-05-12. Review status: criteria provided, single submitter. Criteria: Invitae Variant Classification Sherloc (09022015). Collection method: clinical testing. Allele origin: germline.
Comment: This sequence change replaces leucine, which is neutral and non-polar, with valine, which is neutral and non-polar, at codon 2496 of the DSP protein (p.Leu2496Val). This variant is not present in population databases (gnomAD no frequency). This variant has not been reported in the literature in individuals affected with DSP-related conditions. An algorithm developed to predict the effect of missense changes on protein structure and function (PolyPhen-2) suggests that this variant is likely to be disruptive. In summary, the available evidence is currently insufficient to determine the role of this variant in disease. Therefore, it has been classified as a Variant of Uncertain Significance.